The following is an entry in ClinVar:

NM_177438.3(DICER1):c.204A>G (p.Ser68=)

Gene: DICER1 (dicer 1, ribonuclease III; minus strand). Cytogenetic location: 14q32.13.
Variant type: single nucleotide variant.
Coding change: c.204A>G on transcript NM_177438.3 (MANE Select); coding-DNA position 204, A replaced by G.
Protein change: p.Ser68=; no amino-acid change (serine 68 retained).
Molecular consequence: synonymous variant.
Genome position (GRCh38, 1-based): chr14:95,132,618, T>C on the plus strand (A>G on the coding strand, the complement: DICER1 is on the minus strand). VCF-style: chr14-95132618-T-C. GRCh37 (hg19) VCF-style: chr14-95598955-T-C.
Other names: c.204A>G (NM_177438.2); c.204A>G, p.Ser68= (NM_001195573.1, NM_001271282.3, NM_001291628.2 and 1 more transcripts).
Identifiers: ClinVar variation 1082196 (VCV001082196.12), dbSNP rs2140288563, ClinGen allele CA487634117.

ClinVar aggregate classification (germline): Benign/Likely benign. Review status: criteria provided, multiple submitters, no conflicts (2 of 4 stars). 3 submissions from 3 submitters: Benign (1); Likely benign (2). Last evaluated 2026-04-14.

Conditions:
DICER1-related tumor predisposition. Also called: DICER1 syndrome; DICER1-related pleuropulmonary blastoma cancer predisposition syndrome. Identifiers: Orphanet 284343, MedGen C3839822, MONDO:0100216.
Hereditary cancer-predisposing syndrome. Also called: Neoplastic Syndromes, Hereditary; Tumor predisposition; Hereditary Cancer Syndrome; Hereditary neoplastic syndrome. Identifiers: Orphanet 140162, MedGen C0027672, MeSH D009386, MONDO:0015356.

Submissions (3):

Myriad Genetics, Inc.
Classification: Benign for DICER1-related tumor predisposition. Last evaluated: 2026-04-14. Review status: criteria provided, single submitter. Criteria: Myriad Autosomal Dominant, Autosomal Recessive and X-Linked Classification Criteria (2023). Collection method: clinical testing. Allele origin: unknown.
Comment: This variant is considered benign. This variant is a silent/synonymous amino acid change and it is not expected to impact splicing.

Labcorp Genetics (formerly Invitae), Labcorp
Classification: Likely benign for DICER1-related tumor predisposition. Last evaluated: 2025-09-20. Review status: criteria provided, single submitter. Criteria: Invitae Variant Classification Sherloc (09022015). Collection method: clinical testing. Allele origin: germline.

Ambry Genetics
Classification: Likely benign for Hereditary cancer-predisposing syndrome. Last evaluated: 2024-11-01. Review status: criteria provided, single submitter. Criteria: Ambry Variant Classification Scheme 2023. Collection method: clinical testing. Allele origin: germline.